The following is an entry in ClinVar:

NM_020458.4(TTC7A):c.2165T>C (p.Met722Thr)

Gene: TTC7A (tetratricopeptide repeat domain 7A; plus strand). Cytogenetic location: 2p21.
Variant type: single nucleotide variant.
Coding change: c.2165T>C on transcript NM_020458.4 (MANE Select); coding-DNA position 2165, T replaced by C.
Protein change: p.Met722Thr; replaces methionine 722 with threonine.
Molecular consequence: missense variant.
Genome position (GRCh38, 1-based): chr2:47,060,781, T>C. VCF-style: chr2-47060781-T-C. GRCh37 (hg19) VCF-style: chr2-47287920-T-C.
Other names: c.2237T>C, p.Met746Thr (NM_001288951.2); c.2063T>C, p.Met688Thr (NM_001288953.2); c.1103T>C, p.Met368Thr (NM_001288955.2); short protein forms M688T, M722T, M368T, M746T.
Identifiers: ClinVar variation 1468468 (VCV001468468.4), dbSNP rs1359515935, ClinGen allele CA346714580.
Genomic context (GRCh38, chr2:47,060,781, plus strand): 5'-TCTGACTCCCCACCACTCACACCTCCCACTGCCCTTCTGCTTTTGCAGCTGAGCTGTTCA[T>C]GGAGCAGCAGCACCTCAAGGAAGCAGGTTTCTGCATCCAGGAGGCGGCGGGCCTCTTCCC-3'
Protein context (NP_065191.2, residues 712-732): QIWLQAAELF[Met722Thr]EQQHLKEAGF

ClinVar aggregate classification (germline): Uncertain significance (1 of 4 stars; one submission).

Conditions:
Multiple gastrointestinal atresias. Also called: Multiple intestinal atresia; FAMILIAL INTESTINAL POLYATRESIA SYNDROME. Identifiers: Orphanet 2300, MedGen C0220744, MONDO:0009465.

Allele frequency attached by ClinVar (database versions not stated): gnomAD exomes below 0.00001; TOPMed below 0.00001; gnomAD 0.00001.
gnomAD v4.1: 3 of 1,608,330 alleles (0.00019%); highest among the groups gnomAD compares: Non-Finnish European, 0.00026%; no homozygotes.

Submission:

Labcorp Genetics (formerly Invitae), Labcorp
Classification: Uncertain significance for Multiple gastrointestinal atresias. Last evaluated: 2022-07-19. Review status: criteria provided, single submitter. Criteria: Invitae Variant Classification Sherloc (09022015). Collection method: clinical testing. Allele origin: germline.
Comment: In summary, the available evidence is currently insufficient to determine the role of this variant in disease. Therefore, it has been classified as a Variant of Uncertain Significance. Algorithms developed to predict the effect of missense changes on protein structure and function are either unavailable or do not agree on the potential impact of this missense change (SIFT: "Deleterious"; PolyPhen-2: "Benign"; Align-GVGD: "Class C0"). ClinVar contains an entry for this variant (Variation ID: 1468468). This variant has not been reported in the literature in individuals affected with TTC7A-related conditions. This variant is present in population databases (no rsID available, gnomAD 0.0009%). This sequence change replaces methionine, which is neutral and non-polar, with threonine, which is neutral and polar, at codon 722 of the TTC7A protein (p.Met722Thr).